The following is an entry in ClinVar:

NM_021098.3(CACNA1H):c.3218C>G (p.Ser1073Cys)

Gene: CACNA1H (calcium voltage-gated channel subunit alpha1 H; plus strand). Cytogenetic location: 16p13.3.
Variant type: single nucleotide variant.
Coding change: c.3218C>G on transcript NM_021098.3 (MANE Select); coding-DNA position 3218, C replaced by G.
Protein change: p.Ser1073Cys; replaces serine 1073 with cysteine.
Molecular consequence: missense variant.
Genome position (GRCh38, 1-based): chr16:1,208,076, C>G. VCF-style: chr16-1208076-C-G. GRCh37 (hg19) VCF-style: chr16-1258076-C-G.
Other names: c.3218C>G, p.Ser1073Cys (NM_001005407.2); short protein forms S1073C.
Identifiers: ClinVar variation 844132 (VCV000844132.11), dbSNP rs369474500, ClinGen allele CA7800687.
Genomic context (GRCh38, chr16:1,208,076, plus strand): 5'-TGAAGATGTGTTCCCTGGCCGTGACCCCCAACGGGCACCTGGAGGGACGAGGCAGCCTGT[C>G]CCCTCCCCTCATCATGTGCACAGCTGCCACGCCCATGCCTACCCCCAAGAGCTCACCATT-3'
Protein context (NP_066921.2, residues 1063-1083): NGHLEGRGSL[Ser1073Cys]PPLIMCTAAT

ClinVar aggregate classification (germline): Conflicting classifications of pathogenicity. Review status: criteria provided, conflicting classifications (1 of 4 stars). 4 submissions from 4 submitters: Uncertain significance (3); Benign (1). Last evaluated 2025-01-27.

Conditions:
Idiopathic generalized epilepsy. Also called: EIG; Generalised epilepsy. Identifiers: MedGen C0270850, MONDO:0005579, OMIM 600669.
Hyperaldosteronism, familial, type IV (HALD4). Also called: FH IV; ALDOSTERONISM, PRIMARY, AND HYPERTENSION. Identifiers: Orphanet 642671, MedGen C4310756, MONDO:0014875, OMIM 617027.
Epilepsy, childhood absence, susceptibility to, 6. Identifiers: Orphanet 64280, MedGen C2749872, MONDO:0012763, OMIM 611942.
Inborn genetic diseases. Identifiers: MedGen C0950123, MeSH D030342.

Allele frequency attached by ClinVar (database versions not stated): TOPMed 0.00003; ESP Exome Variant Server 0.00008.
gnomAD v4.1: 135 of 1,601,398 alleles (0.0084%); highest among the groups gnomAD compares: East Asian, 0.28%; 2 homozygotes.

Submissions (4):

Labcorp Genetics (formerly Invitae), Labcorp
Classification: Benign for Idiopathic generalized epilepsy; Hyperaldosteronism, familial, type IV. Last evaluated: 2025-01-27. Review status: criteria provided, single submitter. Criteria: Invitae Variant Classification Sherloc (09022015). Collection method: clinical testing. Allele origin: germline.

Athena Diagnostics
Classification: Uncertain significance. Last evaluated: 2024-04-08. Review status: criteria provided, single submitter. Criteria: Athena Diagnostics Criteria. Collection method: clinical testing. Allele origin: unknown.
Comment: Available data are insufficient to determine the clinical significance of the variant at this time. The frequency of this variant in the general population is uninformative in assessment of its pathogenicity. Computational tools predict that this variant is not damaging.

Ambry Genetics
Classification: Uncertain significance for Inborn genetic diseases. Last evaluated: 2022-11-08. Review status: criteria provided, single submitter. Criteria: Ambry Variant Classification Scheme 2023. Collection method: clinical testing. Allele origin: germline.

Fulgent Genetics
Classification: Uncertain significance for Epilepsy, childhood absence, susceptibility to, 6; Hyperaldosteronism, familial, type IV. Last evaluated: 2022-03-30. Review status: criteria provided, single submitter. Criteria: ACMG Guidelines, 2015. Collection method: clinical testing. Allele origin: unknown.